The following is an entry in ClinVar:

ClinVar aggregate classification (germline): Likely pathogenic (1 of 4 stars; one submission).

Conditions:
3MC syndrome 1. Also called: CRANIOSYNOSTOSIS WITH LID ANOMALIES; OCULOPALATOSKELETAL SYNDROME; MICHELS SYNDROME. Identifiers: Orphanet 293843, MedGen C0796059, MONDO:0009770, OMIM 257920.

gnomAD v4.1: 3 of 1,614,190 alleles (0.00019%); highest among the groups gnomAD compares: East Asian, 0.0045%; no homozygotes.

Submission:

3billion
Classification: Likely pathogenic for 3MC syndrome 1. Last evaluated: 2024-12-16. Review status: criteria provided, single submitter. Criteria: ACMG Guidelines, 2015. Collection method: clinical testing. Allele origin: germline. Affected: yes.
Comment: The variant is observed at an extremely low frequency in the gnomAD v4.1.0 dataset (total allele frequency: <0.001%). Predicted Consequence/Location: Missense variant. The majority of the known disease-causing variants of this gene are variants expected to result in premature termination of the protein. In silico tool predictions suggest damaging effect of the variant on gene or gene product [REVEL: 0.93 (>=0.6, sensitivity 0.68 and specificity 0.92)]. The different nucleotide change resulting in the same amino acid change has been previously reported to be associated with MASP1-related disorder(ClinVar ID: VCV000030077 /PMID: 21035106). The variant has been reported to be in trans with a pathogenic variant as either compound heterozygous or homozygous in at least one similarly affected unrelated individual (PMID: 21035106). The variant has been reported to co-segregate with the disease in at least one similarly affected relative/individual in the same family or similarly affected unrelated family (PMID: 21035106). Therefore, this variant is classified as Likely pathogenic according to the recommendation of ACMG/AMP guideline.

Literature cited by the submitters: PubMed 21035106.

NM_139125.4(MASP1):c.2059G>C (p.Gly687Arg)

Gene: MASP1 (MBL associated serine protease 1; minus strand). Cytogenetic location: 3q27.3.
Variant type: single nucleotide variant.
Coding change: c.2059G>C on transcript NM_139125.4 (MANE Select); coding-DNA position 2059, G replaced by C.
Protein change: p.Gly687Arg; replaces glycine 687 with arginine.
Molecular consequence: missense variant. On other transcripts: non-coding transcript variant (1), intron variant (1).
Genome position (GRCh38, 1-based): chr3:187,235,812, C>G on the plus strand (G>C on the coding strand, the complement: MASP1 is on the minus strand). VCF-style: chr3-187235812-C-G. GRCh37 (hg19) VCF-style: chr3-186953600-C-G.
Other names: c.1303+5669G>C (NM_001879.6); short protein forms G687R.
Identifiers: ClinVar variation 4291886 (VCV004291886.1).